The following is an entry in ClinVar:

NM_002691.4(POLD1):c.1691T>C (p.Met564Thr)

Gene: POLD1 (DNA polymerase delta 1, catalytic subunit; plus strand). Cytogenetic location: 19q13.33.
Variant type: single nucleotide variant.
Coding change: c.1691T>C on transcript NM_002691.4 (MANE Select); coding-DNA position 1691, T replaced by C.
Protein change: p.Met564Thr; replaces methionine 564 with threonine.
Molecular consequence: missense variant. On other transcripts: non-coding transcript variant (1).
Genome position (GRCh38, 1-based): chr19:50,407,331, T>C. VCF-style: chr19-50407331-T-C. GRCh37 (hg19) VCF-style: chr19-50910588-T-C.
Other names: c.1691T>C, p.Met564Thr (NM_001256849.1, NM_001308632.1); c.1691T>C (NM_002691.2); short protein forms M564T.
Identifiers: ClinVar variation 944286 (VCV000944286.9), dbSNP rs748444470, ClinGen allele CA406981176.

ClinVar aggregate classification (germline): Uncertain significance. Review status: criteria provided, multiple submitters, no conflicts (2 of 4 stars). 2 submissions from 2 submitters: Uncertain significance (2). Last evaluated 2024-09-08.

Conditions:
POLD1-related polyposis and colorectal cancer syndrome (CRCS10). Also called: Colorectal cancer 10; COLORECTAL CANCER, SUSCEPTIBILITY TO, ON CHROMOSOME 19q; Colorectal cancer, susceptibility to, 10. Identifiers: Orphanet 220460, MedGen C2675481, MONDO:0012953, OMIM 612591.
Hereditary cancer-predisposing syndrome. Also called: Hereditary neoplastic syndrome; Tumor predisposition; Neoplastic Syndromes, Hereditary; Hereditary Cancer Syndrome. Identifiers: Orphanet 140162, MedGen C0027672, MeSH D009386, MONDO:0015356.

Submissions (2):

Ambry Genetics
Classification: Uncertain significance for Hereditary cancer-predisposing syndrome. Last evaluated: 2024-09-08. Review status: criteria provided, single submitter. Criteria: Ambry Variant Classification Scheme 2023. Collection method: clinical testing. Allele origin: germline.
Comment: The p.M564T variant (also known as c.1691T>C), located in coding exon 13 of the POLD1 gene, results from a T to C substitution at nucleotide position 1691. The methionine at codon 564 is replaced by threonine, an amino acid with similar properties. This amino acid position is conserved. In addition, this alteration is predicted to be tolerated by in silico analysis. Based on the available evidence, the clinical significance of this variant remains unclear.

Labcorp Genetics (formerly Invitae), Labcorp
Classification: Uncertain significance for POLD1-related polyposis and colorectal cancer syndrome. Last evaluated: 2022-10-01. Review status: criteria provided, single submitter. Criteria: Invitae Variant Classification Sherloc (09022015). Collection method: clinical testing. Allele origin: germline.
Comment: ClinVar contains an entry for this variant (Variation ID: 944286). In summary, the available evidence is currently insufficient to determine the role of this variant in disease. Therefore, it has been classified as a Variant of Uncertain Significance. Advanced modeling of protein sequence and biophysical properties (such as structural, functional, and spatial information, amino acid conservation, physicochemical variation, residue mobility, and thermodynamic stability) performed at Invitae indicates that this missense variant is not expected to disrupt POLD1 protein function. This variant has not been reported in the literature in individuals affected with POLD1-related conditions. This variant is not present in population databases (gnomAD no frequency). This sequence change replaces methionine, which is neutral and non-polar, with threonine, which is neutral and polar, at codon 564 of the POLD1 protein (p.Met564Thr).